The following is an entry in ClinVar:

NM_024757.5(EHMT1):c.142A>C (p.Met48Leu)

Gene: EHMT1 (euchromatic histone lysine methyltransferase 1; plus strand). Cytogenetic location: 9q34.3.
Variant type: single nucleotide variant.
Coding change: c.142A>C on transcript NM_024757.5 (MANE Select); coding-DNA position 142, A replaced by C.
Protein change: p.Met48Leu; replaces methionine 48 with leucine.
Molecular consequence: missense variant.
Genome position (GRCh38, 1-based): chr9:137,716,682, A>C. VCF-style: chr9-137716682-A-C. GRCh37 (hg19) VCF-style: chr9-140611134-A-C.
Other names: c.142A>C, p.Met48Leu (NM_001145527.2, NM_001354263.2, NM_001354611.2); c.49A>C, p.Met17Leu (NM_001354259.2, NM_001354612.2); short protein forms M17L, M48L.
Identifiers: ClinVar variation 946156 (VCV000946156.11), dbSNP rs145206240, ClinGen allele CA5374190.

ClinVar aggregate classification (germline): Uncertain significance. Review status: criteria provided, multiple submitters, no conflicts (2 of 4 stars). 2 submissions from 2 submitters: Uncertain significance (2). Last evaluated 2024-11-09.

Conditions:
Kleefstra syndrome 1 (KLEFS1). Identifiers: Orphanet 261494, MedGen C0795833, MONDO:0027407, OMIM 610253.

Allele frequency attached by ClinVar (database versions not stated): TOPMed 0.00001; 1000 Genomes Project 30x 0.00031; 1000 Genomes Project 0.00040.
gnomAD v4.1: 9 of 1,604,476 alleles (0.00056%); highest among the groups gnomAD compares: Non-Finnish European, 0.0006%; no homozygotes.

Submissions (2):

GeneDx
Classification: Uncertain significance. Last evaluated: 2024-11-09. Review status: criteria provided, single submitter. Criteria: GeneDx Variant Classification Process June 2021. Collection method: clinical testing. Allele origin: germline. Affected: yes.
Comment: Not observed at significant frequency in large population cohorts (gnomAD); In silico analysis indicates that this missense variant does not alter protein structure/function; Has not been previously published as pathogenic or benign to our knowledge

Labcorp Genetics (formerly Invitae), Labcorp
Classification: Uncertain significance for Kleefstra syndrome 1. Last evaluated: 2022-02-05. Review status: criteria provided, single submitter. Criteria: Invitae Variant Classification Sherloc (09022015). Collection method: clinical testing. Allele origin: germline.
Comment: In summary, the available evidence is currently insufficient to determine the role of this variant in disease. Therefore, it has been classified as a Variant of Uncertain Significance. Algorithms developed to predict the effect of missense changes on protein structure and function output the following: SIFT: "Tolerated"; PolyPhen-2: "Benign"; Align-GVGD: "Class C0". The leucine amino acid residue is found in multiple mammalian species, which suggests that this missense change does not adversely affect protein function. ClinVar contains an entry for this variant (Variation ID: 946156). This variant has not been reported in the literature in individuals affected with EHMT1-related conditions. This variant is present in population databases (rs145206240, gnomAD 0.002%). This sequence change replaces methionine, which is neutral and non-polar, with leucine, which is neutral and non-polar, at codon 48 of the EHMT1 protein (p.Met48Leu).